The following is an entry in ClinVar:

NM_000632.4(ITGAM):c.302_303delinsCA (p.Gln101Pro)

Genes: ITGAM (integrin subunit alpha M; plus strand), LOC126862331 (P300/CBP strongly-dependent group 1 enhancer GRCh37_chr16:31276375-31277574; plus strand). Cytogenetic location: 16p11.2.
Variant type: Indel.
Coding change: c.302_303delinsCA on transcript NM_000632.4 (MANE Select); coding-DNA positions 302 to 303, AG replaced by CA.
Protein change: p.Gln101Pro; replaces glutamine 101 with proline.
Molecular consequence: missense variant.
Genome position (GRCh38, 1-based): chr16:31,265,874-31,265,875, AG replaced by CA. VCF-style: chr16-31265874-AG-CA. GRCh37 (hg19) VCF-style: chr16-31277195-AG-CA.
Other names: c.302_303delinsCA, p.Gln101Pro (NM_001145808.2); short protein forms Q101P.
Identifiers: ClinVar variation 2761631 (VCV002761631.3), dbSNP rs2544364336, ClinGen allele CA2697555795.

ClinVar aggregate classification (germline): Uncertain significance (1 of 4 stars; one submission).

Submission:

Labcorp Genetics (formerly Invitae), Labcorp
Classification: Uncertain significance. Last evaluated: 2023-06-03. Review status: criteria provided, single submitter. Criteria: Invitae Variant Classification Sherloc (09022015). Collection method: clinical testing. Allele origin: germline.
Comment: This sequence change replaces glutamine, which is neutral and polar, with proline, which is neutral and non-polar, at codon 101 of the ITGAM protein (p.Gln101Pro). Information on the frequency of this variant in the gnomAD database is not available, as this variant may be reported differently in the database. This variant has not been reported in the literature in individuals affected with ITGAM-related conditions. An algorithm developed to predict the effect of missense changes on protein structure and function (PolyPhen-2) suggests that this variant is likely to be disruptive. In summary, the available evidence is currently insufficient to determine the role of this variant in disease. Therefore, it has been classified as a Variant of Uncertain Significance.